The following is an entry in ClinVar:

ClinVar aggregate classification (germline): Benign. Review status: criteria provided, single submitter (1 of 4 stars). 2 submissions from 2 submitters: Benign (1). 1 of the submissions does not count toward it. Last evaluated 2024-02-02.

Conditions:
KNG1-related disorder. Also called: KNG1-related condition.

Allele frequency attached by ClinVar (database versions not stated): 1000 Genomes Project 30x 0.03389; gnomAD 0.03897; gnomAD exomes 0.03116; 1000 Genomes Project 0.03315; ESP Exome Variant Server 0.03761; ExAC 0.02919; TOPMed 0.04071.
gnomAD v4.1: 51,540 of 1,614,088 alleles (3.2%); highest among the groups gnomAD compares: African/African-American, 6.5%; 936 homozygotes.

Submissions (2):

Mayo Clinic Laboratories, Mayo Clinic
Classification: Benign. Last evaluated: 2024-02-02. Review status: criteria provided, single submitter. Criteria: ACMG Guidelines, 2015. Collection method: clinical testing. Allele origin: germline. Observed: 18 variant alleles.

PreventionGenetics, part of Exact Sciences
Classification: Likely benign for KNG1-related condition. Last evaluated: 2019-11-25. Review status: no assertion criteria provided. Collection method: clinical testing. Allele origin: germline. Not counted in ClinVar's aggregate classification.
Comment: This variant is classified as likely benign based on ACMG/AMP sequence variant interpretation guidelines (Richards et al. 2015 PMID: 25741868, with internal and published modifications).

NM_001102416.3(KNG1):c.1590C>T (p.Asp530=)

Gene: KNG1 (kininogen 1; plus strand). Cytogenetic location: 3q27.3.
Variant type: single nucleotide variant.
Coding change: c.1590C>T on transcript NM_001102416.3 (MANE Select); coding-DNA position 1590, C replaced by T.
Protein change: p.Asp530=; no amino-acid change (aspartic acid 530 retained).
Molecular consequence: synonymous variant. On other transcripts: intron variant (2).
Genome position (GRCh38, 1-based): chr3:186,741,986, C>T. VCF-style: chr3-186741986-C-T. GRCh37 (hg19) VCF-style: chr3-186459775-C-T.
Other names: p.Asp530=; c.1203+387C>T (NM_000893.4); c.1095+387C>T (NM_001166451.2).
Identifiers: ClinVar variation 3056243 (VCV003056243.3), dbSNP rs5030086, ClinGen allele CA2746488.